The following is an entry in ClinVar:

NM_000243.3(MEFV):c.1588-69G>A

Gene: MEFV (MEFV innate immunity regulator, pyrin; minus strand). Cytogenetic location: 16p13.3.
Variant type: single nucleotide variant.
Coding change: c.1588-69G>A on transcript NM_000243.3 (MANE Select); 69 bases into the intron before coding-DNA position 1588, G replaced by A.
Molecular consequence: intron variant.
Genome position (GRCh38, 1-based): chr16:3,246,616, C>T on the plus strand (G>A on the coding strand, the complement: MEFV is on the minus strand). VCF-style: chr16-3246616-C-T. GRCh37 (hg19) VCF-style: chr16-3296616-C-T.
Other names: c.955-69G>A (NM_001198536.2).
Identifiers: ClinVar variation 439878 (VCV000439878.27), dbSNP rs224205, ClinGen allele CA14259014.

ClinVar aggregate classification (germline): Benign. Review status: criteria provided, multiple submitters, no conflicts (2 of 4 stars). 8 submissions from 7 submitters: Benign (8). Last evaluated 2026-01-26.

Conditions:
Familial Mediterranean fever, autosomal dominant. Also called: FMF, AUTOSOMAL DOMINANT; Dominant Familial Mediterranean Fever. Identifiers: Orphanet 342, MedGen C1851347, MONDO:0007601, OMIM 134610.
Familial Mediterranean fever (FMF). Also called: POLYSEROSITIS, FAMILIAL PAROXYSMAL; POLYSEROSITIS, RECURRENT; Periodic peritonitis; Benign paroxysmal peritonitis. Identifiers: Orphanet 342, MedGen C0031069, MONDO:0018088, OMIM 249100. Disease mechanism: gain of function.

Allele frequency attached by ClinVar (database versions not stated): 1000 Genomes Project 30x 0.45487; TOPMed 0.46498; gnomAD exomes 0.48770; gnomAD 0.46073 and 0.46195; 1000 Genomes Project 0.45407; ESP Exome Variant Server 0.43999.
gnomAD v4.1: 766,300 of 1,580,892 alleles (48%); highest among the groups gnomAD compares: Admixed American, 62%; 187,457 homozygotes.

Submissions (8):

Labcorp Genetics (formerly Invitae), Labcorp
Classification: Benign for Familial Mediterranean fever. Last evaluated: 2026-01-26. Review status: criteria provided, single submitter. Criteria: Invitae Variant Classification Sherloc (09022015). Collection method: clinical testing. Allele origin: germline.

Unidad de Genómica Garrahan, Hospital de Pediatría Garrahan
Classification: Benign. Last evaluated: 2023-11-12. Review status: criteria provided, single submitter. Criteria: ACMG Guidelines, 2015. Collection method: clinical testing. Allele origin: germline. Affected: no. Observed: 77 variant alleles.
Comment: This variant is classified as Benign based on local population frequency. This variant was detected in 80% of patients studied by a panel of primary immunodeficiencies. Number of patients: 77. Only high quality variants are reported.

Genome-Nilou Lab
Classification: Benign for Familial Mediterranean fever, autosomal dominant. Last evaluated: 2021-07-01. Review status: criteria provided, single submitter. Criteria: ACMG Guidelines, 2015. Collection method: clinical testing. Allele origin: germline. Affected: no.

Genome-Nilou Lab
Classification: Benign for Familial Mediterranean fever. Last evaluated: 2021-07-01. Review status: criteria provided, single submitter. Criteria: ACMG Guidelines, 2015. Collection method: clinical testing. Allele origin: germline. Affected: no.

ARUP Laboratories, Molecular Genetics and Genomics, ARUP Laboratories
Classification: Benign. Last evaluated: 2018-07-03. Review status: criteria provided, single submitter. Criteria: ARUP Molecular Germline Variant Investigation Process. Collection method: clinical testing. Allele origin: germline.

GeneDx
Classification: Benign. Last evaluated: 2018-06-26. Review status: criteria provided, single submitter. Criteria: GeneDx Variant Classification Process June 2021. Collection method: clinical testing. Allele origin: germline. Affected: yes.
Comment: This variant is associated with the following publications: (PMID: 27659338)

Eurofins Ntd Llc (ga)
Classification: Benign. Last evaluated: 2017-04-25. Review status: criteria provided, single submitter. Criteria: EGL Classification Definitions 2015. Collection method: clinical testing. Allele origin: germline. Observed: 4 variant alleles, 1 heterozygote, 3 homozygotes.

Breakthrough Genomics
Classification: Benign. Review status: criteria provided, single submitter. Criteria: ACMG Guidelines, 2015. Collection method: not provided. Allele origin: germline. Inheritance: Autosomal recessive inheritance. Affected: yes.